The following is an entry in ClinVar:

NM_002072.5(GNAQ):c.143G>T (p.Gly48Val)

Gene: GNAQ (G protein subunit alpha q; minus strand). Cytogenetic location: 9q21.2.
Variant type: single nucleotide variant.
Coding change: c.143G>T on transcript NM_002072.5 (MANE Select); coding-DNA position 143, G replaced by T.
Protein change: p.Gly48Val; replaces glycine 48 with valine.
Molecular consequence: missense variant.
Genome position (GRCh38, 1-based): chr9:77,922,339, C>A on the plus strand (G>T on the coding strand, the complement: GNAQ is on the minus strand). VCF-style: chr9-77922339-C-A. GRCh37 (hg19) VCF-style: chr9-80537255-C-A.
Other names: short protein forms G48V.
Identifiers: ClinVar variation 1691370 (VCV001691370.3), dbSNP rs2118276763, ClinGen allele CA373997226.

ClinVar aggregate classification (germline): Pathogenic/Likely pathogenic. Review status: criteria provided, multiple submitters, no conflicts (2 of 4 stars). 2 submissions from 2 submitters: Pathogenic (1); Likely pathogenic (1). Last evaluated 2023-08-30.

Conditions:
Sturge-Weber syndrome (SWS). Also called: Encephalotrigeminal angiomatosis; Fourth phacomatosis; Meningeal capillary angiomatosis; Leptomeningeal angiomatosis; Encephalofacial angiomatosis; SWS type I - Facial and leptomeningeal angiomas. Identifiers: Orphanet 3205, MedGen C0038505, MONDO:0008501, OMIM 185300.

Submissions (2):

Clinical Genomics Laboratory, Washington University in St. Louis
Classification: Likely pathogenic for Sturge-Weber syndrome. Last evaluated: 2023-08-30. Review status: criteria provided, single submitter. Criteria: ACMG Guidelines, 2015. Collection method: clinical testing. Allele origin: somatic. Affected: yes.
Comment: The GNAQ c.143G>T (p.Gly48Val) variant was identified at an allelic fraction consistent with somatic origin. This variant has been reported in one individual affected with uveal melanoma and two individuals affected with atypical Sturge-Weber syndrome (Hitchman TD et al., PMID: 33229459; Yeom S et al., PMID: 36710374). It has been reported in the ClinVar database as a somatic pathogenic by a single submitter (ClinVar ID: 1691370). GNAQ c.143G>T (p.Gly48Val) is absent from the general population (gnomAD v.3.1.2), indicating it is not a common variant. Computational predictors indicate that the variant is damaging, evidence that correlates with impact to GNAQ function. Functional studies using cells generated with the variant of interest grafted into an organism results in an aberrant cell growth phenotype in the organism and hyperactivation of downstream signaling pathway (Huang L et al., PMID: 34670408; Hitchman TD et al., PMID: 33229459). Based on an internally-developed protocol informed by the ACMG/AMP guidelines (Richards S et al., PMID: 25741868), GNAQ c.143G>T (p.Gly48Val) variant is classified as likely pathogenic.

Seattle Children's Hospital Molecular Genetics Laboratory, Seattle Children's Hospital
Classification: Pathogenic. Last evaluated: 2021-01-28. Review status: criteria provided, single submitter. Criteria: ACMG Guidelines, 2015. Collection method: clinical testing. Allele origin: somatic. Affected: yes.
Comment: To our knowledge, this variant has not been reported in association with capillary malformations (CM) or arteriovenous malformations (AVM) before. Alteration of p.Gly48 in GNAQ has recently been reported as an oncogenic hotspot for uveal melanoma (PMID: 33229459). The p.Gly48Val variant is also reported in the cBioPortal and NCI Genomic Data Commons cancer databases and is a cause of cherry hemangiomas and cherry hemangioma-like hemangiomas (PMID: 31189994). This variant is absent from large population studies as a germline finding (Genome Aggregation Database v2.1.1).